The following is an entry in ClinVar:

ClinVar aggregate classification (germline): Uncertain significance. Review status: criteria provided, multiple submitters, no conflicts (2 of 4 stars). 7 submissions from 7 submitters: Uncertain significance (7). Last evaluated 2025-10-07.

Conditions:
Hereditary nonpolyposis colorectal neoplasms. Identifiers: MedGen C0009405, MeSH D003123.
Hereditary cancer-predisposing syndrome. Also called: Neoplastic Syndromes, Hereditary; Tumor predisposition; Hereditary neoplastic syndrome; Hereditary Cancer Syndrome. Identifiers: Orphanet 140162, MedGen C0027672, MeSH D009386, MONDO:0015356.
Lynch syndrome. Identifiers: Orphanet 144, MedGen C4552100, MONDO:0005835. Disease mechanism: loss of function.
Lynch syndrome 4 (LYNCH4). Also called: Colorectal cancer, hereditary nonpolyposis, type 4; Hereditary non-polyposis colorectal cancer, type 4. Identifiers: Orphanet 144, MedGen C1838333, MONDO:0013699, OMIM 614337. Disease mechanism: loss of function.

Allele frequency attached by ClinVar (database versions not stated): ExAC 0.00001; TOPMed 0.00001; gnomAD exomes 0.00002.
gnomAD v4.1: 32 of 1,582,402 alleles (0.002%); highest among the groups gnomAD compares: Non-Finnish European, 0.0027%; no homozygotes.

Submissions (7):

Labcorp Genetics (formerly Invitae), Labcorp
Classification: Uncertain significance for Hereditary nonpolyposis colorectal neoplasms. Last evaluated: 2025-10-07. Review status: criteria provided, single submitter. Criteria: Invitae Variant Classification Sherloc (09022015). Collection method: clinical testing. Allele origin: germline.
Comment: This sequence change replaces glutamic acid, which is acidic and polar, with glycine, which is neutral and non-polar, at codon 330 of the PMS2 protein (p.Glu330Gly). This variant is present in population databases (rs761913816, gnomAD 0.003%). This missense change has been observed in individual(s) with Lynch syndrome (PMID: 31992580). ClinVar contains an entry for this variant (Variation ID: 567236). An algorithm developed to predict the effect of missense changes on protein structure and function outputs the following: PolyPhen-2: "Benign". The glycine amino acid residue is found in multiple mammalian species, which suggests that this missense change does not adversely affect protein function. In summary, the available evidence is currently insufficient to determine the role of this variant in disease. Therefore, it has been classified as a Variant of Uncertain Significance.

Ambry Genetics
Classification: Uncertain significance for Hereditary cancer-predisposing syndrome. Last evaluated: 2024-11-27. Review status: criteria provided, single submitter. Criteria: Ambry Variant Classification Scheme 2023. Collection method: clinical testing. Allele origin: germline.
Comment: The p.E330G variant (also known as c.989A>G) is located in coding exon 10 of the PMS2 gene. The glutamic acid at codon 330 is replaced by glycine, an amino acid with similar properties. This change occurs in the first base pair of coding exon 10. This amino acid position is well conserved in available vertebrate species. In addition, the in silico prediction for this alteration is inconclusive. Based on the available evidence, the clinical significance of this variant remains unclear.

All of Us Research Program, National Institutes of Health
Classification: Uncertain significance for Lynch syndrome. Last evaluated: 2023-10-23. Review status: criteria provided, single submitter. Criteria: ACMG Guidelines, 2015. Collection method: clinical testing. Allele origin: germline. Inheritance: Autosomal dominant inheritance. Observed: 3 variant alleles, 3 heterozygotes.
Comment: This missense variant replaces glutamic acid with glycine at codon 330 of the PMS2 protein. Computational prediction is inconclusive regarding the impact of this variant on protein structure and function (internally defined REVEL score threshold 0.5 < inconclusive < 0.7, PMID: 27666373). To our knowledge, functional studies have not been reported for this variant. This variant has been reported in an individual affected with early onset colorectal cancer, whose tumor displayed high microsatellite instability and loss of MLH1 and PMS2 protein via immunohistochemistry analysis (PMID: 31992580). MLH1 methylation status was not available for this tumor. This variant has been identified in 4/247842 chromosomes in the general population by the Genome Aggregation Database (gnomAD). The available evidence is insufficient to determine the role of this variant in disease conclusively. Therefore, this variant is classified as a Variant of Uncertain Significance.

This study involves interpretation of variants in research participants for the purpose of population health screening. Participant phenotype was not available at the time of variant classification. Additional details can be found in publication PMID: 35346344, PMCID: PMC8962531

Color Diagnostics, LLC DBA Color Health
Classification: Uncertain significance for Hereditary cancer-predisposing syndrome. Last evaluated: 2023-10-05. Review status: criteria provided, single submitter. Criteria: ACMG Guidelines, 2015. Collection method: clinical testing. Allele origin: germline.
Comment: This missense variant replaces glutamic acid with glycine at codon 330 of the PMS2 protein. Computational prediction is inconclusive regarding the impact of this variant on protein structure and function (internally defined REVEL score threshold 0.5 < inconclusive < 0.7, PMID: 27666373). To our knowledge, functional studies have not been reported for this variant. This variant has been reported in an individual affected with early onset colorectal cancer, whose tumor displayed high microsatellite instability and loss of MLH1 and PMS2 protein via immunohistochemistry analysis (PMID: 31992580). MLH1 methylation status was not available for this tumor. This variant has been identified in 4/247842 chromosomes in the general population by the Genome Aggregation Database (gnomAD). The available evidence is insufficient to determine the role of this variant in disease conclusively. Therefore, this variant is classified as a Variant of Uncertain Significance.

GeneDx
Classification: Uncertain significance. Last evaluated: 2023-09-06. Review status: criteria provided, single submitter. Criteria: GeneDx Variant Classification Process June 2021. Collection method: clinical testing. Allele origin: germline. Affected: yes.
Comment: Not observed at significant frequency in large population cohorts (gnomAD); In silico analysis supports that this missense variant has a deleterious effect on protein structure/function; Observed in an individual with MSI-H colorectal cancer whose tumor demonstrated loss of MLH1 and PMS2 on immunohistochemistry (Wang et al., 2020); This variant is associated with the following publications: (PMID: 11574484, 31992580)

Baylor Genetics
Classification: Uncertain significance for Lynch syndrome 4. Last evaluated: 2023-08-03. Review status: criteria provided, single submitter. Criteria: ACMG Guidelines, 2015. Collection method: clinical testing. Allele origin: unknown.

Quest Diagnostics Nichols Institute San Juan Capistrano
Classification: Uncertain significance. Last evaluated: 2023-05-31. Review status: criteria provided, single submitter. Criteria: Quest Diagnostics criteria. Collection method: clinical testing. Allele origin: unknown.
Comment: In the published literature, this variant has been reported in an individual with colorectal cancer, whose tumor exhibited microsatellite instability, and loss of MLH1 and PMS2 staining (PMID: 31615547 (2020)). The frequency of this variant in the general population, 0.000027 (3/112460 chromosomes (Genome Aggregation Database)), is uninformative in the assessment of its pathogenicity. Analysis of this variant using bioinformatics tools for the prediction of the effect of amino acid changes on protein structure and function yielded conflicting predictions that this variant is deleterious or benign. Based on the available information, we are unable to determine the clinical significance of this variant.

Literature cited by the submitters: PubMed 31992580 (cited by 5 submitters).

NM_000535.7(PMS2):c.989A>G (p.Glu330Gly)

Gene: PMS2 (PMS1 homolog 2, mismatch repair system component; minus strand). Cytogenetic location: 7p22.1.
Variant type: single nucleotide variant.
Coding change: c.989A>G on transcript NM_000535.7 (MANE Select); coding-DNA position 989, A replaced by G.
Protein change: p.Glu330Gly; replaces glutamic acid 330 with glycine.
Molecular consequence: missense variant. On other transcripts: non-coding transcript variant (1), intron variant (2).
Genome position (GRCh38, 1-based): chr7:5,989,955, T>C on the plus strand (A>G on the coding strand, the complement: PMS2 is on the minus strand). VCF-style: chr7-5989955-T-C. GRCh37 (hg19) VCF-style: chr7-6029586-T-C.
Other names: c.584A>G, p.Glu195Gly (NM_001322003.2, NM_001322004.2, NM_001322005.2 and 1 more transcripts); c.671A>G, p.Glu224Gly (NM_001322007.2, NM_001322008.2); c.56A>G, p.Glu19Gly (NM_001322011.2, NM_001322012.2); c.416A>G, p.Glu139Gly (NM_001322013.2); c.989A>G, p.Glu330Gly (NM_001322014.2); c.680A>G, p.Glu227Gly (NM_001322015.2); c.583+2018A>G (NM_001322010.2); c.988+2018A>G (NM_001322006.2); short protein forms E330G, E139G, E224G, E195G, E19G, E227G.
Identifiers: ClinVar variation 567236 (VCV000567236.25), dbSNP rs761913816, ClinGen allele CA052846.